The following is an entry in ClinVar:

NM_006361.6(HOXB13):c.52T>C (p.Leu18=)

Gene: HOXB13 (homeobox B13; minus strand). Cytogenetic location: 17q21.32.
Variant type: single nucleotide variant.
Coding change: c.52T>C on transcript NM_006361.6 (MANE Select); coding-DNA position 52, T replaced by C.
Protein change: p.Leu18=; no amino-acid change (leucine 18 retained).
Molecular consequence: synonymous variant.
Genome position (GRCh38, 1-based): chr17:48,728,542, A>G on the plus strand (T>C on the coding strand, the complement: HOXB13 is on the minus strand). VCF-style: chr17-48728542-A-G. GRCh37 (hg19) VCF-style: chr17-46805904-A-G.
Identifiers: ClinVar variation 2625781 (VCV002625781.5), dbSNP rs2038242723, ClinGen allele CA500503146.
Genomic context (GRCh38, chr17:48,728,542, plus strand): 5'-CTGGGTGGCTGGTCAGAGGGGAGTGGGCGACCAGATTCCGCCCCCCTCCCGCTCCCAGCA[A>G]GCCTTCGATATCCTTGGCTCCATCCAAGGTGGCATAATTGCCGGGCTCCATGGAGCCGAG-3'
Protein context (NP_006352.2, residues 8-28): TLDGAKDIEG[Leu18=]LGAGGGRNLV

ClinVar aggregate classification (germline): Benign/Likely benign. Review status: criteria provided, multiple submitters, no conflicts (2 of 4 stars). 3 submissions from 3 submitters: Benign (1); Likely benign (2). Last evaluated 2025-06-04.

Conditions:
Prostate cancer, hereditary, 9 (HPC9). Identifiers: Orphanet 1331, MedGen C1970250, MONDO:0012597, OMIM 610997.
Hereditary cancer-predisposing syndrome. Also called: Tumor predisposition; Hereditary Cancer Syndrome; Hereditary neoplastic syndrome; Neoplastic Syndromes, Hereditary. Identifiers: Orphanet 140162, MedGen C0027672, MeSH D009386, MONDO:0015356.

Allele frequency attached by ClinVar (database versions not stated): gnomAD exomes below 0.00001; TOPMed below 0.00001; gnomAD 0.00001.
gnomAD v4.1: 2 of 1,613,038 alleles (0.00012%); highest among the groups gnomAD compares: Admixed American, 0.0017%; no homozygotes.

Submissions (3):

Labcorp Genetics (formerly Invitae), Labcorp
Classification: Likely benign. Last evaluated: 2025-06-04. Review status: criteria provided, single submitter. Criteria: Invitae Variant Classification Sherloc (09022015). Collection method: clinical testing. Allele origin: germline.

Myriad Genetics, Inc.
Classification: Benign for Prostate cancer, hereditary, 9. Last evaluated: 2024-10-28. Review status: criteria provided, single submitter. Criteria: Myriad Autosomal Dominant, Autosomal Recessive and X-Linked Classification Criteria (2023). Collection method: clinical testing. Allele origin: unknown.
Comment: This variant is considered benign. This variant is a silent/synonymous amino acid change and it is not expected to impact splicing.

Ambry Genetics
Classification: Likely benign for Hereditary cancer-predisposing syndrome. Last evaluated: 2023-08-29. Review status: criteria provided, single submitter. Criteria: Ambry Variant Classification Scheme 2023. Collection method: clinical testing. Allele origin: germline.